The following is an entry in ClinVar:

NM_004385.5(VCAN):c.1127A>C (p.Asp376Ala)

Gene: VCAN (versican; plus strand). Cytogenetic location: 5q14.3.
Variant type: single nucleotide variant.
Coding change: c.1127A>C on transcript NM_004385.5 (MANE Select); coding-DNA position 1127, A replaced by C.
Protein change: p.Asp376Ala; replaces aspartic acid 376 with alanine.
Molecular consequence: missense variant. On other transcripts: intron variant (2).
Genome position (GRCh38, 1-based): chr5:83,519,433, A>C. VCF-style: chr5-83519433-A-C. GRCh37 (hg19) VCF-style: chr5-82815252-A-C.
Other names: c.1127A>C, p.Asp376Ala (NM_001164098.2); c.1042+7037A>C (NM_001164097.2, NM_001126336.3); short protein forms D376A.
Identifiers: ClinVar variation 907149 (VCV000907149.10), dbSNP rs181669993, ClinGen allele CA3332616.

ClinVar aggregate classification (germline): Conflicting classifications of pathogenicity. Review status: criteria provided, conflicting classifications (1 of 4 stars). 4 submissions from 3 submitters: Uncertain significance (1); Likely benign (3). Last evaluated 2024-11-12.

Conditions:
Wagner disease. Also called: WAGNER VITREORETINAL DEGENERATION; Wagner Vitreoretinal Degeneration (Wagner Synrdome); Wagner syndrome; HYALOIDEORETINAL DEGENERATION OF WAGNER; WAGNER VITREORETINOPATHY; WAGNER SYNDROME 1. Identifiers: Orphanet 898, MedGen C1840452, MONDO:0007740, OMIM 143200.
Vitreoretinopathy. Also called: Vitreoretinal degeneration. Identifiers: MedGen C0344290, MONDO:0020248, HP:0007773.

Allele frequency attached by ClinVar (database versions not stated): gnomAD 0.00001 and 0.00003; TOPMed 0.00001; ExAC 0.00004; gnomAD exomes 0.00005; 1000 Genomes Project 30x 0.00047; 1000 Genomes Project 0.00060.
gnomAD v4.1: 48 of 1,614,166 alleles (0.003%); highest among the groups gnomAD compares: Non-Finnish European, 0.0041%; no homozygotes.

Submissions (4):

Blueprint Genetics
Classification: Likely benign. Last evaluated: 2024-11-12. Review status: criteria provided, single submitter. Criteria: ACMG Guidelines, 2015. Collection method: clinical testing. Allele origin: germline.

Labcorp Genetics (formerly Invitae), Labcorp
Classification: Uncertain significance. Last evaluated: 2024-01-02. Review status: criteria provided, single submitter. Criteria: Invitae Variant Classification Sherloc (09022015). Collection method: clinical testing. Allele origin: germline.
Comment: This sequence change replaces aspartic acid, which is acidic and polar, with alanine, which is neutral and non-polar, at codon 376 of the VCAN protein (p.Asp376Ala). This variant is present in population databases (rs181669993, gnomAD 0.01%). This variant has not been reported in the literature in individuals affected with VCAN-related conditions. ClinVar contains an entry for this variant (Variation ID: 907149). An algorithm developed to predict the effect of missense changes on protein structure and function (PolyPhen-2) suggests that this variant is likely to be tolerated. In summary, the available evidence is currently insufficient to determine the role of this variant in disease. Therefore, it has been classified as a Variant of Uncertain Significance.

Illumina Laboratory Services, Illumina
Classification: Likely benign for Wagner disease. Last evaluated: 2018-01-13. Review status: criteria provided, single submitter. Criteria: ICSL Variant Classification Criteria 13 December 2019. Collection method: clinical testing. Allele origin: germline.
Comment: This variant was observed in the ICSL laboratory as part of a predisposition screen in an ostensibly healthy population. It had not been previously curated by ICSL or reported in the Human Gene Mutation Database (HGMD: prior to June 1st, 2018), and was therefore a candidate for classification through an automated scoring system. Utilizing variant allele frequency, disease prevalence and penetrance estimates, and inheritance mode, an automated score was calculated to assess if this variant is too frequent to cause the disease. Based on the score and internal cut-off values, a variant classified as likely benign is not then subjected to further curation. The score for this variant resulted in a classification of likely benign for this disease.

Illumina Laboratory Services, Illumina
Classification: Likely benign for Vitreoretinopathy. Last evaluated: 2018-01-13. Review status: criteria provided, single submitter. Criteria: ICSL Variant Classification Criteria 13 December 2019. Collection method: clinical testing. Allele origin: germline.
Comment: the same text as in the submission from Illumina Laboratory Services, Illumina above.